The following is an entry in ClinVar:

NM_000455.5(STK11):c.458C>A (p.Ala153Asp)

Gene: STK11 (serine/threonine kinase 11; plus strand). Cytogenetic location: 19p13.3.
Variant type: single nucleotide variant.
Coding change: c.458C>A on transcript NM_000455.5 (MANE Select); coding-DNA position 458, C replaced by A.
Protein change: p.Ala153Asp; replaces alanine 153 with aspartic acid.
Molecular consequence: missense variant.
Genome position (GRCh38, 1-based): chr19:1,219,407, C>A. VCF-style: chr19-1219407-C-A. GRCh37 (hg19) VCF-style: chr19-1219406-C-A.
Other names: short protein forms A153D.
Identifiers: ClinVar variation 527813 (VCV000527813.13), dbSNP rs1555737824, ClinGen allele CA402948383.

ClinVar aggregate classification (germline): Conflicting classifications of pathogenicity. Review status: criteria provided, conflicting classifications (1 of 4 stars). 3 submissions from 3 submitters: Likely pathogenic (1); Uncertain significance (2). Last evaluated 2024-05-29.

Conditions:
Peutz-Jeghers syndrome (PJS). Also called: POLYPOSIS, HAMARTOMATOUS INTESTINAL; POLYPS-AND-SPOTS SYNDROME; Peutz-Jeghers polyposis; Periorificial lentiginosis syndrome. Identifiers: Orphanet 2869, MedGen C0031269, MeSH D010580, MONDO:0008280, OMIM 175200.

Submissions (3):

Labcorp Genetics (formerly Invitae), Labcorp
Classification: Likely pathogenic for Peutz-Jeghers syndrome. Last evaluated: 2024-05-29. Review status: criteria provided, single submitter. Criteria: Invitae Variant Classification Sherloc (09022015). Collection method: clinical testing. Allele origin: germline.
Comment: This sequence change replaces alanine, which is neutral and non-polar, with aspartic acid, which is acidic and polar, at codon 153 of the STK11 protein (p.Ala153Asp). This variant is not present in population databases (gnomAD no frequency). This missense change has been observed in individuals with clinical features of STK11-related conditions (PMID: 31852928; Invitae). This variant is also known as 1219406 C/A. ClinVar contains an entry for this variant (Variation ID: 527813). Advanced modeling of protein sequence and biophysical properties (such as structural, functional, and spatial information, amino acid conservation, physicochemical variation, residue mobility, and thermodynamic stability) performed at Invitae indicates that this missense variant is expected to disrupt STK11 protein function with a positive predictive value of 95%. In summary, the currently available evidence indicates that the variant is pathogenic, but additional data are needed to prove that conclusively. Therefore, this variant has been classified as Likely Pathogenic.

Genome-Nilou Lab
Classification: Uncertain significance for Peutz-Jeghers syndrome. Last evaluated: 2021-07-15. Review status: criteria provided, single submitter. Criteria: ACMG Guidelines, 2015. Collection method: clinical testing. Allele origin: germline. Affected: no.

Mendelics
Classification: Uncertain significance for Peutz-Jeghers syndrome. Last evaluated: 2018-07-02. Review status: criteria provided, single submitter. Criteria: Mendelics Assertion Criteria 2017. Collection method: clinical testing. Allele origin: unknown.

Literature cited by the submitters: PubMed 31852928 (cited by Labcorp Genetics (formerly Invitae), Labcorp).